The following is an entry in ClinVar:

ClinVar aggregate classification (germline): Uncertain significance (1 of 4 stars; one submission).

Conditions:
MHC class I deficiency. Identifiers: Orphanet 34592, MedGen C6024714, MONDO:0011476.

Allele frequency attached by ClinVar (database versions not stated): gnomAD exomes 0.00001.
gnomAD v4.1: 3 of 1,614,032 alleles (0.00019%); highest among the groups gnomAD compares: East Asian, 0.0022%; no homozygotes.

Submission:

Labcorp Genetics (formerly Invitae), Labcorp
Classification: Uncertain significance for MHC class I deficiency 1. Last evaluated: 2023-10-08. Review status: criteria provided, single submitter. Criteria: Invitae Variant Classification Sherloc (09022015). Collection method: clinical testing. Allele origin: germline.
Comment: This sequence change replaces leucine, which is neutral and non-polar, with proline, which is neutral and non-polar, at codon 6 of the TAPBP protein (p.Leu6Pro). This variant is not present in population databases (gnomAD no frequency). This variant has not been reported in the literature in individuals affected with TAPBP-related conditions. Experimental studies and prediction algorithms are not available or were not evaluated, and the functional significance of this variant is currently unknown. In summary, the available evidence is currently insufficient to determine the role of this variant in disease. Therefore, it has been classified as a Variant of Uncertain Significance.

NM_003190.5(TAPBP):c.17T>C (p.Leu6Pro)

Gene: TAPBP (TAP binding protein; minus strand). Cytogenetic location: 6p21.32.
Variant type: single nucleotide variant.
Coding change: c.17T>C on transcript NM_003190.5 (MANE Select); coding-DNA position 17, T replaced by C.
Protein change: p.Leu6Pro; replaces leucine 6 with proline.
Molecular consequence: missense variant.
Genome position (GRCh38, 1-based): chr6:33,314,025, A>G on the plus strand (T>C on the coding strand, the complement: TAPBP is on the minus strand). VCF-style: chr6-33314025-A-G. GRCh37 (hg19) VCF-style: chr6-33281802-A-G.
Other names: c.17T>C, p.Leu6Pro (NM_001410875.1, NM_172208.3, NM_172209.3); short protein forms L6P.
Identifiers: ClinVar variation 2899310 (VCV002899310.3), dbSNP rs2536786303, ClinGen allele CA363623987.